The following is an entry in ClinVar:

ClinVar aggregate classification (germline): Conflicting classifications of pathogenicity. Review status: criteria provided, conflicting classifications (1 of 4 stars). 3 submissions from 3 submitters: Uncertain significance (1); Likely benign (1). 1 of the submissions does not count toward it. Last evaluated 2026-01-02.

Conditions:
SLC27A5-related disorder. Also called: SLC27A5-related condition.

Allele frequency attached by ClinVar (database versions not stated): gnomAD exomes 0.00004 and 0.00013; ExAC 0.00017; ESP Exome Variant Server 0.00038; gnomAD 0.00048 and 0.00050; TOPMed 0.00052; 1000 Genomes Project 30x 0.00062; 1000 Genomes Project 0.00080.
gnomAD v4.1: 141 of 1,614,050 alleles (0.0087%); highest among the groups gnomAD compares: African/African-American, 0.16%; 1 homozygote.

Submissions (3):

Labcorp Genetics (formerly Invitae), Labcorp
Classification: Likely benign. Last evaluated: 2026-01-02. Review status: criteria provided, single submitter. Criteria: Invitae Variant Classification Sherloc (09022015). Collection method: clinical testing. Allele origin: germline.

Eurofins Ntd Llc (ga)
Classification: Uncertain significance. Last evaluated: 2015-10-02. Review status: criteria provided, single submitter. Criteria: EGL Classification Definitions 2015. Collection method: clinical testing. Allele origin: germline. Observed: 2 variant alleles, 2 heterozygotes.

PreventionGenetics, part of Exact Sciences
Classification: Likely benign for SLC27A5-related condition. Last evaluated: 2024-04-16. Review status: no assertion criteria provided. Collection method: clinical testing. Allele origin: germline. Not counted in ClinVar's aggregate classification.
Comment: This variant is classified as likely benign based on ACMG/AMP sequence variant interpretation guidelines (Richards et al. 2015 PMID: 25741868, with internal and published modifications).

NM_012254.3(SLC27A5):c.1710G>A (p.Val570=)

Gene: SLC27A5 (solute carrier family 27 member 5; minus strand). Cytogenetic location: 19q13.43.
Variant type: single nucleotide variant.
Coding change: c.1710G>A on transcript NM_012254.3 (MANE Select); coding-DNA position 1710, G replaced by A.
Protein change: p.Val570=; no amino-acid change (valine 570 retained).
Molecular consequence: synonymous variant.
Genome position (GRCh38, 1-based): chr19:58,499,178, C>T on the plus strand (G>A on the coding strand, the complement: SLC27A5 is on the minus strand). VCF-style: chr19-58499178-C-T. GRCh37 (hg19) VCF-style: chr19-59010545-C-T.
Other names: c.1458G>A, p.Val486= (NM_001321196.2); c.1710G>A (NM_012254.2).
Identifiers: ClinVar variation 283611 (VCV000283611.7), dbSNP rs141574728, ClinGen allele CA9717861.
Genomic context (GRCh38, chr19:58,499,178, plus strand): 5'-CGCACCTGGCACGCACACGCCATACACGTTAACCTGTTGCAAGAAGTCCACCTGCGACAA[C>T]ACGCCCTCCACCTCGTGCGTGGACACGTTCTCGCCCTTCCATCTGCAAGGAGGGAGCCGG-3'
Protein context (NP_036386.1, residues 560-580): ENVSTHEVEG[Val570=]LSQVDFLQQV